The following is an entry in ClinVar:

ClinVar aggregate classification (germline): Uncertain significance (1 of 4 stars; one submission).

Allele frequency attached by ClinVar (database versions not stated): gnomAD exomes below 0.00001.

Submission:

Labcorp Genetics (formerly Invitae), Labcorp
Classification: Uncertain significance. Last evaluated: 2024-10-30. Review status: criteria provided, single submitter. Criteria: Invitae Variant Classification Sherloc (09022015). Collection method: clinical testing. Allele origin: germline.
Comment: This sequence change creates a premature translational stop signal (p.Trp296*) in the MNX1 gene. While this is not anticipated to result in nonsense mediated decay, it is expected to disrupt the last 106 amino acid(s) of the MNX1 protein. This variant is not present in population databases (gnomAD no frequency). This variant has not been reported in the literature in individuals affected with MNX1-related conditions. ClinVar contains an entry for this variant (Variation ID: 2132396). Experimental studies and prediction algorithms are not available or were not evaluated, and the functional significance of this variant is currently unknown. In summary, the available evidence is currently insufficient to determine the role of this variant in disease. Therefore, it has been classified as a Variant of Uncertain Significance.

NM_005515.4(MNX1):c.888G>A (p.Trp296Ter)

Gene: MNX1 (motor neuron and pancreas homeobox 1; minus strand). Cytogenetic location: 7q36.3.
Variant type: single nucleotide variant.
Coding change: c.888G>A on transcript NM_005515.4 (MANE Select); coding-DNA position 888, G replaced by A.
Protein change: p.Trp296Ter; replaces tryptophan 296 with a stop codon.
Molecular consequence: nonsense.
Genome position (GRCh38, 1-based): chr7:157,005,838, C>T on the plus strand (G>A on the coding strand, the complement: MNX1 is on the minus strand). VCF-style: chr7-157005838-C-T. GRCh37 (hg19) VCF-style: chr7-156798532-C-T.
Other names: c.252G>A, p.Trp84Ter (NM_001165255.2); short protein forms W84*, W296*.
Identifiers: ClinVar variation 2132396 (VCV002132396.4), dbSNP rs2537772372, ClinGen allele CA370162113.